The following is an entry in ClinVar:

ClinVar aggregate classification (germline): Uncertain significance (1 of 4 stars; one submission).

Conditions:
Dilated cardiomyopathy 1KK (CMD1KK). Identifiers: Orphanet 154, Orphanet 75249, MedGen C3714995, MONDO:0014100, OMIM 615248.

Submission:

Labcorp Genetics (formerly Invitae), Labcorp
Classification: Uncertain significance for Dilated cardiomyopathy 1KK. Last evaluated: 2019-01-31. Review status: criteria provided, single submitter. Criteria: Invitae Variant Classification Sherloc (09022015). Collection method: clinical testing. Allele origin: germline.
Comment: In summary, the available evidence is currently insufficient to determine the role of this variant in disease. Therefore, it has been classified as a Variant of Uncertain Significance. Algorithms developed to predict the effect of missense changes on protein structure and function are either unavailable or do not agree on the potential impact of this missense change (SIFT: "Tolerated"; PolyPhen-2: "Probably Damaging"; Align-GVGD: "Class C0"). This variant has not been reported in the literature in individuals with MYPN-related conditions. This variant is not present in population databases (ExAC no frequency). This sequence change replaces threonine with asparagine at codon 1211 of the MYPN protein (p.Thr1211Asn). The threonine residue is moderately conserved and there is a small physicochemical difference between threonine and asparagine.

NM_032578.4(MYPN):c.3632C>A (p.Thr1211Asn)

Gene: MYPN (myopalladin; plus strand). Cytogenetic location: 10q21.3.
Variant type: single nucleotide variant.
Coding change: c.3632C>A on transcript NM_032578.4 (MANE Select); coding-DNA position 3632, C replaced by A.
Protein change: p.Thr1211Asn; replaces threonine 1211 with asparagine.
Molecular consequence: missense variant. On other transcripts: non-coding transcript variant (2).
Genome position (GRCh38, 1-based): chr10:68,201,967, C>A. VCF-style: chr10-68201967-C-A. GRCh37 (hg19) VCF-style: chr10-69961724-C-A.
Other names: c.3632C>A, p.Thr1211Asn (NM_001256267.2); c.2750C>A, p.Thr917Asn (NM_001256268.2); short protein forms T1211N, T917N.
Identifiers: ClinVar variation 854059 (VCV000854059.9), dbSNP rs2043722750, ClinGen allele CA376860307.